The following is an entry in ClinVar:

ClinVar aggregate classification (germline): Uncertain significance. Review status: criteria provided, multiple submitters, no conflicts (2 of 4 stars). 2 submissions from 2 submitters: Uncertain significance (2). Last evaluated 2025-01-26.

gnomAD v4.1: 20 of 1,614,110 alleles (0.0012%); highest among the groups gnomAD compares: Admixed American, 0.013%; no homozygotes.

Submissions (2):

Ambry Genetics
Classification: Uncertain significance. Last evaluated: 2025-01-26. Review status: criteria provided, single submitter. Criteria: Ambry Variant Classification Scheme 2023. Collection method: clinical testing. Allele origin: germline.

Labcorp Genetics (formerly Invitae), Labcorp
Classification: Uncertain significance. Last evaluated: 2024-06-03. Review status: criteria provided, single submitter. Criteria: Invitae Variant Classification Sherloc (09022015). Collection method: clinical testing. Allele origin: germline.
Comment: This sequence change replaces valine, which is neutral and non-polar, with methionine, which is neutral and non-polar, at codon 218 of the KCTD1 protein (p.Val218Met). This variant is present in population databases (rs770919792, gnomAD 0.02%). This variant has not been reported in the literature in individuals affected with KCTD1-related conditions. Advanced modeling of protein sequence and biophysical properties (such as structural, functional, and spatial information, amino acid conservation, physicochemical variation, residue mobility, and thermodynamic stability) performed at Invitae indicates that this missense variant is not expected to disrupt KCTD1 protein function with a negative predictive value of 80%. In summary, the available evidence is currently insufficient to determine the role of this variant in disease. Therefore, it has been classified as a Variant of Uncertain Significance.

NM_001142730.3(KCTD1):c.2476G>A (p.Val826Met)

Gene: KCTD1 (potassium channel tetramerization domain containing 1; minus strand). Cytogenetic location: 18q11.2.
Variant type: single nucleotide variant.
Coding change: c.2476G>A on transcript NM_001142730.3 (MANE Select); coding-DNA position 2476, G replaced by A.
Protein change: p.Val826Met; replaces valine 826 with methionine.
Molecular consequence: missense variant.
Genome position (GRCh38, 1-based): chr18:26,455,865, C>T on the plus strand (G>A on the coding strand, the complement: KCTD1 is on the minus strand). VCF-style: chr18-26455865-C-T. GRCh37 (hg19) VCF-style: chr18-24035829-C-T.
Other names: c.2476G>A (NM_001142730.1); c.652G>A, p.Val218Met (NM_001136205.2, NM_001258221.2, NM_001351443.1 and 1 more transcripts); c.676G>A, p.Val226Met (NM_001258222.3); short protein forms V826M, V226M, V218M.
Identifiers: ClinVar variation 2919018 (VCV002919018.4), dbSNP rs770919792, ClinGen allele CA8922219.
Genomic context (GRCh38, chr18:26,455,865, plus strand): 5'-CCCGCCGAAGGACGTATTCGCTGAACTGGGACGAGTCTACTCCTCCCCCACAGGAGCCCA[C>T]GATTTCAAATCCTCTTTGCTGCAACCTCTCGAGGACCTGCGAGGGAACAAGACAAGCATC-3'
Protein context (NP_001136202.1, residues 816-836): ERLQQRGFEI[Val826Met]GSCGGGVDSS